The following is an entry in ClinVar:

NM_004706.4(ARHGEF1):c.2022GCT[3] (p.Leu678del)

Gene: ARHGEF1 (Rho guanine nucleotide exchange factor 1; plus strand). Cytogenetic location: 19q13.2.
Variant type: Microsatellite.
Coding change: c.2022GCT[3] on transcript NM_004706.4 (MANE Select); three copies in a row of the 3-base unit GCT starting at c.2022; the reference has four copies in a row; one copy, 3 bases deleted.
Protein change: p.Leu678del; deletes leucine 678.
Molecular consequence: inframe deletion. On other transcripts: non-coding transcript variant (2).
Genome position (GRCh38, 1-based): chr19:41,904,253-41,904,255, GCT deleted; deleting any 3 consecutive bases within chr19:41,904,242-41,904,255 gives the same sequence; the position shown is the placement nearest the transcript's 3' end. VCF-style (leftmost placement, unchanged base first): chr19-41904241-CCTG-C. GRCh37 (hg19) VCF-style: chr19-42408393-CCTG-C.
Other names: c.2190GCT[3], p.Leu734del (NM_001396000.1); c.1923GCT[3], p.Leu645del (NM_001396002.1, NM_001396004.1, NM_198977.2); c.2022GCT[3], p.Leu678del (NM_001396003.1, NM_001396006.1); c.2067GCT[3], p.Leu693del (NM_199002.2); short protein forms L645del, L678del, L693del, L734del.
Identifiers: ClinVar variation 2817821 (VCV002817821.3), dbSNP rs782591569, ClinGen allele CA9466589.

ClinVar aggregate classification (germline): Uncertain significance (1 of 4 stars; one submission).

Submission:

Labcorp Genetics (formerly Invitae), Labcorp
Classification: Uncertain significance. Last evaluated: 2022-12-01. Review status: criteria provided, single submitter. Criteria: Invitae Variant Classification Sherloc (09022015). Collection method: clinical testing. Allele origin: germline.
Comment: In summary, the available evidence is currently insufficient to determine the role of this variant in disease. Therefore, it has been classified as a Variant of Uncertain Significance. Experimental studies and prediction algorithms are not available or were not evaluated, and the functional significance of this variant is currently unknown. This variant has not been reported in the literature in individuals affected with ARHGEF1-related conditions. The frequency data for this variant in the population databases is considered unreliable, as metrics indicate poor data quality at this position in the gnomAD database. This variant, c.2076_2078del, results in the deletion of 1 amino acid(s) of the ARHGEF1 protein (p.Leu693del), but otherwise preserves the integrity of the reading frame.